The following is an entry in ClinVar:

ClinVar aggregate classification (germline): Uncertain significance (1 of 4 stars; one submission).

Conditions:
Familial hemophagocytic lymphohistiocytosis 2 (FHL2). Also called: PRF1-Related Familial Hemophagocytic Lymphohistiocytosis (PRF1-fHLH). Identifiers: Orphanet 540, MedGen C1863727, MONDO:0011337, OMIM 603553.

Allele frequency attached by ClinVar (database versions not stated): TOPMed below 0.00001.

Submission:

Labcorp Genetics (formerly Invitae), Labcorp
Classification: Uncertain significance for Hemophagocytic lymphohistiocytosis, familial, 2. Last evaluated: 2018-11-06. Review status: criteria provided, single submitter. Criteria: Invitae Variant Classification Sherloc (09022015). Collection method: clinical testing. Allele origin: germline.
Comment: This sequence change replaces serine with leucine at codon 150 of the PRF1 protein (p.Ser150Leu). The serine residue is highly conserved and there is a large physicochemical difference between serine and leucine. This variant is present in population databases (rs773267292, ExAC 0.001%). This variant has not been reported in the literature in individuals with PRF1-related disease. Algorithms developed to predict the effect of missense changes on protein structure and function are either unavailable or do not agree on the potential impact of this missense change (SIFT: "Deleterious"; PolyPhen-2: "Probably Damaging"; Align-GVGD: "Class C0"). In summary, the available evidence is currently insufficient to determine the role of this variant in disease. Therefore, it has been classified as a Variant of Uncertain Significance.

NM_001083116.3(PRF1):c.449C>T (p.Ser150Leu)

Gene: PRF1 (perforin 1; minus strand). Cytogenetic location: 10q22.1.
Variant type: single nucleotide variant.
Coding change: c.449C>T on transcript NM_001083116.3 (MANE Select); coding-DNA position 449, C replaced by T.
Protein change: p.Ser150Leu; replaces serine 150 with leucine.
Molecular consequence: missense variant.
Genome position (GRCh38, 1-based): chr10:70,600,454, G>A on the plus strand (C>T on the coding strand, the complement: PRF1 is on the minus strand). VCF-style: chr10-70600454-G-A. GRCh37 (hg19) VCF-style: chr10-72360210-G-A.
Other names: c.449C>T, p.Ser150Leu (NM_005041.6); short protein forms S150L.
Identifiers: ClinVar variation 664703 (VCV000664703.1), dbSNP rs773267292, ClinGen allele CA5539031.